The following is an entry in ClinVar:

NM_000275.3(OCA2):c.1003_1004del (p.Thr335fs)

Gene: OCA2 (OCA2 melanosomal transmembrane protein; minus strand). Cytogenetic location: 15q13.1.
Variant type: Deletion.
Coding change: c.1003_1004del on transcript NM_000275.3 (MANE Select); coding-DNA positions 1003 to 1004, 2 bases deleted (AC; older notation c.1003_1004delAC).
Protein change: p.Thr335fs; shifts the reading frame from threonine 335.
Molecular consequence: frameshift variant.
Genome position (GRCh38, 1-based): chr15:28,014,816-28,014,817, GT deleted on the plus strand (AC on the coding strand, the reverse complement: OCA2 is on the minus strand). VCF-style (leftmost placement, unchanged base first): chr15-28014815-CGT-C. GRCh37 (hg19) VCF-style: chr15-28259961-CGT-C.
Other names: c.1003_1004del, p.Thr335fs (NM_001300984.2); short protein forms T335fs.
Identifiers: ClinVar variation 5015456 (VCV005015456.1).

ClinVar aggregate classification (germline): Pathogenic (1 of 4 stars; one submission).

Conditions:
Tyrosinase-positive oculocutaneous albinism (OCA2). Also called: ALBINISM II; Oculocutaneous albinism type 2; Albinism, oculocutaneous, type II. Identifiers: Orphanet 79432, MedGen C0268495, MONDO:0008746, OMIM 203200.

Submission:

Myriad Genetics, Inc.
Classification: Pathogenic for Tyrosinase-positive oculocutaneous albinism. Last evaluated: 2026-01-21. Review status: criteria provided, single submitter. Criteria: Myriad Autosomal Dominant, Autosomal Recessive and X-Linked Classification Criteria (2023). Collection method: clinical testing. Allele origin: unknown.
Comment: NM_000275.2(OCA2):c.1003_1004delAC(T335Gfs*13) is expected to be pathogenic in the context of oculocutaneous albinism, OCA2-related. This variant is predicted to lead to an abnormal or absent protein product due to the creation of a premature termination codon in OCA2, a gene where loss-of-function variants are known to be pathogenic. Please note: this variant was assessed in the context of healthy population screening.